The following is an entry in ClinVar:

ClinVar aggregate classification (germline): Uncertain significance (1 of 4 stars; one submission).

Conditions:
Neuropathy, hereditary sensory and autonomic, type 2A (HSAN2A). Also called: WNK1-Related HSAN2 (HSAN2A); ACROOSTEOLYSIS, GIACCAI TYPE; ACROOSTEOLYSIS, NEUROGENIC; HSAN IIA; NEUROPATHY, CONGENITAL SENSORY; NEUROPATHY, HEREDITARY SENSORY RADICULAR, AUTOSOMAL RECESSIVE. Identifiers: Orphanet 970, MedGen C2752089, MONDO:0024309, OMIM 201300.
Generalized epilepsy with febrile seizures plus, type 7 (GEFSP7). Also called: GEFS+, TYPE 7. Identifiers: Orphanet 36387, MedGen C2751778, MONDO:0013470, OMIM 613863.

Allele frequency attached by ClinVar (database versions not stated): gnomAD 0.00001 and 0.00002; TOPMed 0.00001; ExAC 0.00003; gnomAD exomes 0.00003; 1000 Genomes Project 30x 0.00031; 1000 Genomes Project 0.00040.
gnomAD v4.1: 55 of 1,612,626 alleles (0.0034%); highest among the groups gnomAD compares: South Asian, 0.0066%; no homozygotes.

Submission:

Labcorp Genetics (formerly Invitae), Labcorp
Classification: Uncertain significance for Neuropathy, hereditary sensory and autonomic, type 2A; Generalized epilepsy with febrile seizures plus, type 7. Last evaluated: 2024-10-22. Review status: criteria provided, single submitter. Criteria: Invitae Variant Classification Sherloc (09022015). Collection method: clinical testing. Allele origin: germline.
Comment: This sequence change replaces aspartic acid, which is acidic and polar, with asparagine, which is neutral and polar, at codon 1138 of the SCN9A protein (p.Asp1138Asn). This variant is present in population databases (rs199859971, gnomAD 0.01%). This variant has not been reported in the literature in individuals affected with SCN9A-related conditions. ClinVar contains an entry for this variant (Variation ID: 937379). Invitae Evidence Modeling of protein sequence and biophysical properties (such as structural, functional, and spatial information, amino acid conservation, physicochemical variation, residue mobility, and thermodynamic stability) indicates that this missense variant is not expected to disrupt SCN9A protein function with a negative predictive value of 95%. In summary, the available evidence is currently insufficient to determine the role of this variant in disease. Therefore, it has been classified as a Variant of Uncertain Significance.

NM_001365536.1(SCN9A):c.3445G>A (p.Asp1149Asn)

Genes: SCN9A (sodium voltage-gated channel alpha subunit 9; minus strand), SCN1A-AS1 (SCN1A and SCN9A antisense RNA 1; plus strand). Cytogenetic location: 2q24.3.
Variant type: single nucleotide variant.
Coding change: c.3445G>A on transcript NM_001365536.1 (MANE Select); coding-DNA position 3445, G replaced by A.
Protein change: p.Asp1149Asn; replaces aspartic acid 1149 with asparagine.
Molecular consequence: missense variant. On other transcripts: non-coding transcript variant (1).
Genome position (GRCh38, 1-based): chr2:166,251,792, C>T on the plus strand (G>A on the coding strand, the complement: SCN9A is on the minus strand). VCF-style: chr2-166251792-C-T. GRCh37 (hg19) VCF-style: chr2-167108302-C-T.
Other names: c.3412G>A, p.Asp1138Asn (NM_002977.4); short protein forms D1138N, D1149N.
Identifiers: ClinVar variation 937379 (VCV000937379.10), dbSNP rs199859971, ClinGen allele CA1944060.